The following is an entry in ClinVar:

ClinVar aggregate classification (germline): Uncertain significance (1 of 4 stars; one submission).

Submission:

GeneDx
Classification: Uncertain significance. Last evaluated: 2025-05-16. Review status: criteria provided, single submitter. Criteria: GeneDx Variant Classification Process June 2021. Collection method: clinical testing. Allele origin: germline. Affected: yes.
Comment: Not observed at significant frequency in large population cohorts (gnomAD); Has not been previously published as pathogenic or benign to our knowledge; Frameshift variant predicted to result in abnormal protein length as the last 57 amino acid(s) are replaced with 58 different amino acid(s) with an unclear effect on protein function

NM_005898.5(CAPRIN1):c.1957_1958del (p.Gln653fs)

Gene: CAPRIN1 (cell cycle associated protein 1; plus strand). Cytogenetic location: 11p13.
Variant type: Microsatellite.
Coding change: c.1957_1958del on transcript NM_005898.5 (MANE Select); coding-DNA positions 1957 to 1958, 2 bases deleted (CA; older notation c.1957_1958delCA).
Protein change: p.Gln653fs; shifts the reading frame from glutamine 653.
Molecular consequence: frameshift variant.
Genome position (GRCh38, 1-based): chr11:34,097,252-34,097,253, CA deleted; deleting any 2 consecutive bases within chr11:34,097,249-34,097,253 gives the same sequence; the c. name uses the placement nearest the transcript's 3' end. VCF-style (leftmost placement, unchanged base first): chr11-34097248-TAC-T. GRCh37 (hg19) VCF-style: chr11-34118795-TAC-T.
Other names: c.1957_1958del, p.Gln653fs (NM_203364.3); short protein forms Q653fs.
Identifiers: ClinVar variation 4529640 (VCV004529640.1).
Genomic context (GRCh38, chr11:34,097,248, plus strand): 5'-AATTTTAGGAGGATATGATGGTTACCGCCCTTCATTCTCTAACACTCCAAACAGTGGTTA[TAC>T]ACAGTCTCAGTTCAGTGCTCCCCGGGATTACTCTGGCTATCAACGGGTAGGTAAAGTAGT-3'